The following is an entry in ClinVar:

ClinVar aggregate classification (germline): Likely benign (0 of 4 stars; one submission).

Conditions:
NF1-related disorder. Also called: NF1-related condition. Identifiers: MedGen CN379171.

Allele frequency attached by ClinVar (database versions not stated): gnomAD 0.00001; gnomAD exomes 0.00001; TOPMed 0.00001.
gnomAD v4.1: 5 of 413,256 alleles (0.0012%); highest among the groups gnomAD compares: Admixed American, 0.015%; no homozygotes.

Submission:

PreventionGenetics, part of Exact Sciences
Classification: Likely benign for NF1-related condition. Last evaluated: 2019-07-16. Review status: no assertion criteria provided. Collection method: clinical testing. Allele origin: germline.
Comment: This variant is classified as likely benign based on ACMG/AMP sequence variant interpretation guidelines (Richards et al. 2015 PMID: 25741868, with internal and published modifications).

NM_001042492.3(NF1):c.7971-314G>C

Gene: NF1 (neurofibromin 1; plus strand). Cytogenetic location: 17q11.2.
Variant type: single nucleotide variant.
Coding change: c.7971-314G>C on transcript NM_001042492.3 (MANE Select); 314 bases into the intron before coding-DNA position 7971, G replaced by C.
Molecular consequence: intron variant.
Genome position (GRCh38, 1-based): chr17:31,358,166, G>C. VCF-style: chr17-31358166-G-C. GRCh37 (hg19) VCF-style: chr17-29685184-G-C.
Other names: c.7908-314G>C (NM_000267.4).
Identifiers: ClinVar variation 3043066 (VCV003043066.2), dbSNP rs1321839469, ClinGen allele CA728037989.